The following is an entry in ClinVar:

NM_003442.6(ZNF143):c.1899G>A (p.Thr633=)

Gene: ZNF143 (zinc finger protein 143; plus strand). Cytogenetic location: 11p15.4.
Variant type: single nucleotide variant.
Coding change: c.1899G>A on transcript NM_003442.6 (MANE Select); coding-DNA position 1899, G replaced by A.
Protein change: p.Thr633=; no amino-acid change (threonine 633 retained).
Molecular consequence: synonymous variant.
Genome position (GRCh38, 1-based): chr11:9,527,595, G>A. VCF-style: chr11-9527595-G-A. GRCh37 (hg19) VCF-style: chr11-9549142-G-A.
Other names: p.Thr633=; c.1896G>A, p.Thr632= (NM_001282656.2); c.1806G>A, p.Thr602= (NM_001282657.2).
Identifiers: ClinVar variation 1232509 (VCV001232509.15), dbSNP rs11607631, ClinGen allele CA5879766.

ClinVar aggregate classification (germline): Benign. Review status: criteria provided, multiple submitters, no conflicts (2 of 4 stars). 5 submissions from 5 submitters: Benign (4). 1 of the submissions does not count toward it. Last evaluated 2026-01-27.

Conditions:
ZNF143-related disorder. Also called: ZNF143-related condition.

Allele frequency attached by ClinVar (database versions not stated): TOPMed 0.04526; gnomAD 0.04990 and 0.05011; ESP Exome Variant Server 0.05458; 1000 Genomes Project 30x 0.02904; ExAC 0.05903; 1000 Genomes Project 0.02915; gnomAD exomes 0.07141 and 0.05684.
gnomAD v4.1: 111,432 of 1,613,578 alleles (6.9%); highest among the groups gnomAD compares: South Asian, 8%; 4,409 homozygotes.

Submissions (5):

Labcorp Genetics (formerly Invitae), Labcorp
Classification: Benign. Last evaluated: 2026-01-27. Review status: criteria provided, single submitter. Criteria: Invitae Variant Classification Sherloc (09022015). Collection method: clinical testing. Allele origin: germline.

Mayo Clinic Laboratories, Mayo Clinic
Classification: Benign. Last evaluated: 2021-11-19. Review status: criteria provided, single submitter. Criteria: ACMG Guidelines, 2015. Collection method: clinical testing. Allele origin: germline. Observed: 22 variant alleles.

GeneDx
Classification: Benign. Last evaluated: 2021-05-05. Review status: criteria provided, single submitter. Criteria: GeneDx Variant Classification Process June 2021. Collection method: clinical testing. Allele origin: germline. Affected: yes.

Breakthrough Genomics
Classification: Benign. Review status: criteria provided, single submitter. Criteria: ACMG Guidelines, 2015. Collection method: not provided. Allele origin: germline. Inheritance: Unknown mechanism. Affected: yes.

PreventionGenetics, part of Exact Sciences
Classification: Benign for ZNF143-related condition. Last evaluated: 2019-12-03. Review status: no assertion criteria provided. Collection method: clinical testing. Allele origin: germline. Not counted in ClinVar's aggregate classification.
Comment: This variant is classified as benign based on ACMG/AMP sequence variant interpretation guidelines (Richards et al. 2015 PMID: 25741868, with internal and published modifications).